The following is an entry in ClinVar:

NM_002529.4(NTRK1):c.211C>T (p.Leu71Phe)

Gene: NTRK1 (neurotrophic receptor tyrosine kinase 1; plus strand). Cytogenetic location: 1q23.1.
Variant type: single nucleotide variant.
Coding change: c.211C>T on transcript NM_002529.4 (MANE Select); coding-DNA position 211, C replaced by T.
Protein change: p.Leu71Phe; replaces leucine 71 with phenylalanine.
Molecular consequence: missense variant. On other transcripts: intron variant (1).
Genome position (GRCh38, 1-based): chr1:156,861,145, C>T. VCF-style: chr1-156861145-C-T. GRCh37 (hg19) VCF-style: chr1-156830937-C-T.
Other names: c.211C>T, p.Leu71Phe (NM_001007204.1, NM_001012331.2); c.123-3209C>T (NM_001007792.1); short protein forms L71F.
Identifiers: ClinVar variation 2151694 (VCV002151694.4), dbSNP rs1655629659, ClinGen allele CA342930211.
Genomic context (GRCh38, chr1:156,861,145, plus strand): 5'-ACCCGGGATGGGGCCCTGGATAGCCTCCACCACCTGCCCGGCGCAGAGAACCTGACTGAG[C>T]TGTGAGTGTCCGGCGGGCGGTGGGGGGGCGCGGGGACAGGCAGGCATTGCAGTGCCCCGA-3'
Protein context (NP_002520.2, residues 61-81): HLPGAENLTE[Leu71Phe]YIENQQHLQH

ClinVar aggregate classification (germline): Uncertain significance (1 of 4 stars; one submission).

Conditions:
Hereditary insensitivity to pain with anhidrosis (CIPA). Also called: INSENSITIVITY TO PAIN, CONGENITAL, WITH ANHIDROSIS; NTRK1 Congenital Insensitivity to Pain with Anhidrosis; HSAN Type IV; hereditary sensory and autonomic neuropathy type 4; FAMILIAL DYSAUTONOMIA, TYPE II; NEUROPATHY, CONGENITAL SENSORY, WITH ANHIDROSIS. Identifiers: Orphanet 642, MedGen C0020074, MONDO:0009746, OMIM 256800.

Allele frequency attached by ClinVar (database versions not stated): gnomAD exomes below 0.00001; gnomAD 0.00001.

Submission:

Labcorp Genetics (formerly Invitae), Labcorp
Classification: Uncertain significance for Hereditary insensitivity to pain with anhidrosis. Last evaluated: 2024-01-22. Review status: criteria provided, single submitter. Criteria: Invitae Variant Classification Sherloc (09022015). Collection method: clinical testing. Allele origin: germline.
Comment: This sequence change replaces leucine, which is neutral and non-polar, with phenylalanine, which is neutral and non-polar, at codon 71 of the NTRK1 protein (p.Leu71Phe). This variant is not present in population databases (gnomAD no frequency). This variant has not been reported in the literature in individuals affected with NTRK1-related conditions. ClinVar contains an entry for this variant (Variation ID: 2151694). An algorithm developed to predict the effect of missense changes on protein structure and function (PolyPhen-2) suggests that this variant is likely to be disruptive. In summary, the available evidence is currently insufficient to determine the role of this variant in disease. Therefore, it has been classified as a Variant of Uncertain Significance.